The following is an entry in ClinVar:

ClinVar aggregate classification (germline): Likely benign. Review status: criteria provided, multiple submitters, no conflicts (2 of 4 stars). 2 submissions from 2 submitters: Likely benign (2). Last evaluated 2025-04-02.

Conditions:
Charcot-Marie-Tooth disease, type I (CMT1). Also called: Charcot-Marie-Tooth, Type 1; Charcot-Marie-Tooth disease type 1. Identifiers: Orphanet 65753, MedGen C0751036, MONDO:0019011.

gnomAD v4.1: 2 of 1,614,178 alleles (0.00012%); highest among the groups gnomAD compares: Non-Finnish European, 0.00017%; no homozygotes.

Submissions (2):

Labcorp Genetics (formerly Invitae), Labcorp
Classification: Likely benign for Charcot-Marie-Tooth disease, type I. Last evaluated: 2025-04-02. Review status: criteria provided, single submitter. Criteria: Invitae Variant Classification Sherloc (09022015). Collection method: clinical testing. Allele origin: germline.

Women's Health and Genetics/Laboratory Corporation of America, LabCorp
Classification: Likely benign. Last evaluated: 2022-02-21. Review status: criteria provided, single submitter. Criteria: LabCorp Variant Classification Summary - May 2015. Collection method: clinical testing. Allele origin: germline.
Comment: Variant summary: EGR2 c.777C>T alters a conserved nucleotide resulting in a synonymous change. The variant was absent in 250908 control chromosomes. The available data on variant occurrences in the general population are insufficient to allow any conclusion about variant significance. To our knowledge, no occurrence of c.777C>T in individuals affected with EGR2-Related Disorders and no experimental evidence demonstrating its impact on protein function have been reported. No clinical diagnostic laboratories have submitted clinical-significance assessments for this variant to ClinVar after 2014. Based on the evidence outlined above, the variant was classified as likely benign.

NM_000399.5(EGR2):c.777C>T (p.Pro259=)

Gene: EGR2 (early growth response 2; minus strand). Cytogenetic location: 10q21.3.
Variant type: single nucleotide variant.
Coding change: c.777C>T on transcript NM_000399.5 (MANE Select); coding-DNA position 777, C replaced by T.
Protein change: p.Pro259=; no amino-acid change (proline 259 retained).
Molecular consequence: synonymous variant.
Genome position (GRCh38, 1-based): chr10:62,813,861, G>A on the plus strand (C>T on the coding strand, the complement: EGR2 is on the minus strand). VCF-style: chr10-62813861-G-A. GRCh37 (hg19) VCF-style: chr10-64573621-G-A.
Other names: c.777C>T, p.Pro259= (NM_001136177.3, NM_001136178.2); c.627C>T, p.Pro209= (NM_001136179.3, NM_001321037.2).
Identifiers: ClinVar variation 1343476 (VCV001343476.2), dbSNP rs750955966, ClinGen allele CA469997146.
Genomic context (GRCh38, chr10:62,813,861, plus strand): 5'-CCCAGCACTGGGGCCCCCCAGGGTAAAGTTACGGATTGTAGAGAGTGGAGTGAGTGGAGG[G>A]GGCACCCGCAGGGTGTCCAGTGGGCAGGGAAAGGGCTTACGGTCTGGGCCAGCTGTACCA-3'
Protein context (NP_000390.2, residues 249-269): FPCPLDTLRV[Pro259=]PPLTPLSTIR